The following is an entry in ClinVar:

NM_001271.4(CHD2):c.4259C>T (p.Ser1420Leu)

Gene: CHD2 (chromodomain helicase DNA binding protein 2; plus strand). Cytogenetic location: 15q26.1.
Variant type: single nucleotide variant.
Coding change: c.4259C>T on transcript NM_001271.4 (MANE Select); coding-DNA position 4259, C replaced by T.
Protein change: p.Ser1420Leu; replaces serine 1420 with leucine.
Molecular consequence: missense variant.
Genome position (GRCh38, 1-based): chr15:93,002,298, C>T. VCF-style: chr15-93002298-C-T. GRCh37 (hg19) VCF-style: chr15-93545528-C-T.
Other names: short protein forms S1420L.
Identifiers: ClinVar variation 1994375 (VCV001994375.4), dbSNP rs2505603171, ClinGen allele CA393901479.
Genomic context (GRCh38, chr15:93,002,298, plus strand): 5'-ACAAGGAGAAACAAATGAGTTCTAGGAAAGACAAAGAAGGGGACAAGGAAAGAAAGAAGT[C>T]AAAAGATAAGAAAGAGAAGGTAATGATGCCCTTCTGTTCATGCAGATATCCACAGCCTTT-3'
Protein context (NP_001262.3, residues 1410-1430): DKEGDKERKK[Ser1420Leu]KDKKEKPKSG

ClinVar aggregate classification (germline): Uncertain significance (1 of 4 stars; one submission).

Conditions:
Developmental and epileptic encephalopathy 94 (DEE94). Also called: CHD2-Related Neurodevelopmental Disorders; Epileptic encephalopathy, childhood-onset. Identifiers: Orphanet 1942, Orphanet 2382, MedGen C3809278, MONDO:0014150, OMIM 615369.

Submission:

Labcorp Genetics (formerly Invitae), Labcorp
Classification: Uncertain significance for Developmental and epileptic encephalopathy 94. Last evaluated: 2022-05-14. Review status: criteria provided, single submitter. Criteria: Invitae Variant Classification Sherloc (09022015). Collection method: clinical testing. Allele origin: germline.
Comment: This variant has not been reported in the literature in individuals affected with CHD2-related conditions. This variant is not present in population databases (gnomAD no frequency). This sequence change replaces serine, which is neutral and polar, with leucine, which is neutral and non-polar, at codon 1420 of the CHD2 protein (p.Ser1420Leu). Advanced modeling of protein sequence and biophysical properties (such as structural, functional, and spatial information, amino acid conservation, physicochemical variation, residue mobility, and thermodynamic stability) performed at Invitae indicates that this missense variant is not expected to disrupt CHD2 protein function. In summary, the available evidence is currently insufficient to determine the role of this variant in disease. Therefore, it has been classified as a Variant of Uncertain Significance.